The following is an entry in ClinVar:

ClinVar aggregate classification (germline): Uncertain significance (1 of 4 stars; one submission).

Conditions:
Vici syndrome (VICIS). Identifiers: Orphanet 1493, MedGen C1855772, MONDO:0009452, OMIM 242840.

Allele frequency attached by ClinVar (database versions not stated): ExAC 0.00003; gnomAD exomes 0.00003 and 0.00011; gnomAD 0.00006; TOPMed 0.00006; ESP Exome Variant Server 0.00008; 1000 Genomes Project 30x 0.00016; 1000 Genomes Project 0.00020.
gnomAD v4.1: 162 of 1,612,090 alleles (0.01%); highest among the groups gnomAD compares: East Asian, 0.02%; 1 homozygote.

Submission:

Labcorp Genetics (formerly Invitae), Labcorp
Classification: Uncertain significance for Vici syndrome. Last evaluated: 2024-12-02. Review status: criteria provided, single submitter. Criteria: Invitae Variant Classification Sherloc (09022015). Collection method: clinical testing. Allele origin: germline.
Comment: This sequence change replaces asparagine, which is neutral and polar, with serine, which is neutral and polar, at codon 1737 of the EPG5 protein (p.Asn1737Ser). This variant is present in population databases (rs201509640, gnomAD 0.01%). This variant has not been reported in the literature in individuals affected with EPG5-related conditions. ClinVar contains an entry for this variant (Variation ID: 1378042). Invitae Evidence Modeling of protein sequence and biophysical properties (such as structural, functional, and spatial information, amino acid conservation, physicochemical variation, residue mobility, and thermodynamic stability) indicates that this missense variant is not expected to disrupt EPG5 protein function with a negative predictive value of 80%. In summary, the available evidence is currently insufficient to determine the role of this variant in disease. Therefore, it has been classified as a Variant of Uncertain Significance.

NM_020964.3(EPG5):c.5210A>G (p.Asn1737Ser)

Gene: EPG5 (ectopic P-granules 5 autophagy tethering factor; minus strand). Cytogenetic location: 18q12.3.
Variant type: single nucleotide variant.
Coding change: c.5210A>G on transcript NM_020964.3 (MANE Select); coding-DNA position 5210, A replaced by G.
Protein change: p.Asn1737Ser; replaces asparagine 1737 with serine.
Molecular consequence: missense variant.
Genome position (GRCh38, 1-based): chr18:45,884,711, T>C on the plus strand (A>G on the coding strand, the complement: EPG5 is on the minus strand). VCF-style: chr18-45884711-T-C. GRCh37 (hg19) VCF-style: chr18-43464676-T-C.
Other names: short protein forms N1737S.
Identifiers: ClinVar variation 1378042 (VCV001378042.5), dbSNP rs201509640, ClinGen allele CA8948646.